The following is an entry in ClinVar:

ClinVar aggregate classification (germline): Benign/Likely benign. Review status: criteria provided, multiple submitters, no conflicts (2 of 4 stars). 10 submissions from 9 submitters: Benign (9); Likely benign (1). Last evaluated 2026-02-03.

Conditions:
Spherocytosis. Identifiers: MedGen C0553720, HP:0004444.
Hereditary spherocytosis type 1. Also called: Spherocytosis type 1; ANK1-Related Spherocytosis. Identifiers: Orphanet 822, MedGen C2674218, MONDO:0008447, OMIM 182900.

Allele frequency attached by ClinVar (database versions not stated): 1000 Genomes Project 30x 0.17739; 1000 Genomes Project 0.18091; TOPMed 0.19461; ESP Exome Variant Server 0.19637; gnomAD 0.21318; ExAC 0.25382; gnomAD exomes 0.25883 and 0.26298.
gnomAD v4.1: 416,000 of 1,613,702 alleles (26%); highest among the groups gnomAD compares: South Asian, 31%; 57,216 homozygotes.

Submissions (10):

Labcorp Genetics (formerly Invitae), Labcorp
Classification: Benign. Last evaluated: 2026-02-03. Review status: criteria provided, single submitter. Criteria: Invitae Variant Classification Sherloc (09022015). Collection method: clinical testing. Allele origin: germline.

ARUP Laboratories, Molecular Genetics and Genomics, ARUP Laboratories
Classification: Benign for Hereditary spherocytosis type 1. Last evaluated: 2025-07-31. Review status: criteria provided, single submitter. Criteria: ARUP Molecular Germline Variant Investigation Process 2024. Collection method: clinical testing. Allele origin: germline.

Blueprint Genetics
Classification: Likely benign. Last evaluated: 2024-11-27. Review status: criteria provided, single submitter. Criteria: ACMG Guidelines, 2015. Collection method: clinical testing. Allele origin: germline.

Genome-Nilou Lab
Classification: Benign for Hereditary spherocytosis type 1. Last evaluated: 2021-07-14. Review status: criteria provided, single submitter. Criteria: ACMG Guidelines, 2015. Collection method: clinical testing. Allele origin: germline. Affected: no.

GeneDx
Classification: Benign. Last evaluated: 2018-11-10. Review status: criteria provided, single submitter. Criteria: GeneDx Variant Classification Process June 2021. Collection method: clinical testing. Allele origin: germline. Affected: yes.

Illumina Laboratory Services, Illumina
Classification: Benign for Hereditary spherocytosis type 1. Last evaluated: 2018-01-13. Review status: criteria provided, single submitter. Criteria: ICSL Variant Classification Criteria 13 December 2019. Collection method: clinical testing. Allele origin: germline.
Comment: This variant was observed in the ICSL laboratory as part of a predisposition screen in an ostensibly healthy population. It had not been previously curated by ICSL or reported in the Human Gene Mutation Database (HGMD: prior to June 1st, 2018), and was therefore a candidate for classification through an automated scoring system. Utilizing variant allele frequency, disease prevalence and penetrance estimates, and inheritance mode, an automated score was calculated to assess if this variant is too frequent to cause the disease. Based on the score and internal cut-off values, a variant classified as benign is not then subjected to further curation. The score for this variant resulted in a classification of benign for this disease.

Illumina Laboratory Services, Illumina
Classification: Benign for Spherocytosis. Last evaluated: 2018-01-13. Review status: criteria provided, single submitter. Criteria: ICSL Variant Classification Criteria 13 December 2019. Collection method: clinical testing. Allele origin: germline.
Comment: the same text as in the submission from Illumina Laboratory Services, Illumina above.

Mayo Clinic Laboratories, Mayo Clinic
Classification: Benign. Last evaluated: 2016-04-16. Review status: criteria provided, single submitter. Criteria: ACMG Guidelines, 2015. Collection method: clinical testing. Allele origin: germline. Observed: 944 variant alleles.

Breakthrough Genomics
Classification: Benign. Review status: criteria provided, single submitter. Criteria: ACMG Guidelines, 2015. Collection method: not provided. Allele origin: germline. Inheritance: Autosomal dominant inheritance. Affected: yes.

PreventionGenetics, part of Exact Sciences
Classification: Benign. Review status: criteria provided, single submitter. Criteria: ACMG Guidelines, 2015. Collection method: clinical testing. Allele origin: germline.

NM_000037.4(ANK1):c.2073C>T (p.Gly691=)

Gene: ANK1 (ankyrin 1; minus strand). Cytogenetic location: 8p11.21.
Variant type: single nucleotide variant.
Coding change: c.2073C>T on transcript NM_000037.4 (MANE Select); coding-DNA position 2073, C replaced by T.
Protein change: p.Gly691=; no amino-acid change (glycine 691 retained).
Molecular consequence: synonymous variant.
Genome position (GRCh38, 1-based): chr8:41,706,167, G>A on the plus strand (C>T on the coding strand, the complement: ANK1 is on the minus strand). VCF-style: chr8-41706167-G-A. GRCh37 (hg19) VCF-style: chr8-41563685-G-A.
Other names: p.Gly691=; c.2172C>T, p.Gly724= (NM_001142446.2); c.2073C>T, p.Gly691= (NM_020475.3, NM_020476.3, NM_020477.3).
Identifiers: ClinVar variation 261297 (VCV000261297.34), dbSNP rs1137177, ClinGen allele CA4728377.
Genomic context (GRCh38, chr8:41,706,167, plus strand): 5'-GTCCACACAGACTGAAGTTCCGGCTGCCTGCCTTACCCGGGTGGTGGCGTCCACCATGAC[G>A]CCGTGTTTGATCAGCACATCTGCCACTGGAACGTGGCCTTCTTGTGCTACCAGATGGAGG-3'
Protein context (NP_000028.3, residues 681-701): VPVADVLIKH[Gly691=]VMVDATTRMG